The following is an entry in ClinVar:

ClinVar aggregate classification (germline): Benign/Likely benign. Review status: criteria provided, multiple submitters, no conflicts (2 of 4 stars). 3 submissions from 3 submitters: Benign (1); Likely benign (2). Last evaluated 2024-07-22.

Conditions:
Hereditary cancer-predisposing syndrome. Also called: Hereditary Cancer Syndrome; Hereditary neoplastic syndrome; Neoplastic Syndromes, Hereditary; Tumor predisposition. Identifiers: Orphanet 140162, MedGen C0027672, MeSH D009386, MONDO:0015356.
Familial cancer of breast. Also called: BREAST CANCER, FAMILIAL; hereditary breast carcinoma; Hereditary breast cancer. Identifiers: Orphanet 227535, MedGen C0346153, MONDO:0016419, OMIM 114480. Disease mechanism: loss of function.

Allele frequency attached by ClinVar (database versions not stated): ExAC 0.00001; gnomAD exomes 0.00001.
gnomAD v4.1: 3 of 1,595,338 alleles (0.00019%); highest among the groups gnomAD compares: South Asian, 0.0023%; 1 homozygote.

Submissions (3):

Myriad Genetics, Inc.
Classification: Benign for Familial cancer of breast. Last evaluated: 2024-07-22. Review status: criteria provided, single submitter. Criteria: Myriad Autosomal Dominant, Autosomal Recessive and X-Linked Classification Criteria (2023). Collection method: clinical testing. Allele origin: unknown.
Comment: This variant is considered benign. This variant is a silent/synonymous amino acid change and it is not expected to impact splicing.

Labcorp Genetics (formerly Invitae), Labcorp
Classification: Likely benign for Familial cancer of breast. Last evaluated: 2023-07-25. Review status: criteria provided, single submitter. Criteria: Invitae Variant Classification Sherloc (09022015). Collection method: clinical testing. Allele origin: germline.

Ambry Genetics
Classification: Likely benign for Hereditary cancer-predisposing syndrome. Last evaluated: 2021-03-26. Review status: criteria provided, single submitter. Criteria: Ambry Variant Classification Scheme 2023. Collection method: clinical testing. Allele origin: germline.

NM_000465.4(BARD1):c.627A>G (p.Lys209=)

Gene: BARD1 (BRCA1 associated RING domain 1; minus strand). Cytogenetic location: 2q35.
Variant type: single nucleotide variant.
Coding change: c.627A>G on transcript NM_000465.4 (MANE Select); coding-DNA position 627, A replaced by G.
Protein change: p.Lys209=; no amino-acid change (lysine 209 retained).
Molecular consequence: synonymous variant. On other transcripts: non-coding transcript variant (2), intron variant (3).
Genome position (GRCh38, 1-based): chr2:214,781,247, T>C on the plus strand (A>G on the coding strand, the complement: BARD1 is on the minus strand). VCF-style: chr2-214781247-T-C. GRCh37 (hg19) VCF-style: chr2-215645971-T-C.
Other names: c.570A>G, p.Lys190= (NM_001282543.2); c.158+28165A>G (NM_001282548.2); c.215+15814A>G (NM_001282545.2); c.364+11050A>G (NM_001282549.2).
Identifiers: ClinVar variation 1752572 (VCV001752572.8), dbSNP rs772625144, ClinGen allele CA2090399.